The following is an entry in ClinVar:

NM_001972.4(ELANE):c.197T>G (p.Met66Arg)

Gene: ELANE (elastase, neutrophil expressed; plus strand). Cytogenetic location: 19p13.3.
Variant type: single nucleotide variant.
Coding change: c.197T>G on transcript NM_001972.4 (MANE Select); coding-DNA position 197, T replaced by G.
Protein change: p.Met66Arg; replaces methionine 66 with arginine.
Molecular consequence: missense variant.
Genome position (GRCh38, 1-based): chr19:853,005, T>G. VCF-style: chr19-853005-T-G. GRCh37 (hg19) VCF-style: chr19-853005-T-G.
Other names: short protein forms M66R.
Identifiers: ClinVar variation 2138169 (VCV002138169.4), dbSNP rs2512164614, ClinGen allele CA402914856.

ClinVar aggregate classification (germline): Pathogenic (1 of 4 stars; one submission).

Conditions:
Neutropenia, severe congenital, 1, autosomal dominant. Identifiers: MedGen C1859966, MONDO:0042490, OMIM 202700.
Cyclical neutropenia. Also called: Cyclic hematopoiesis; Cyclic Neutropenia. Identifiers: Orphanet 2686, MedGen C0221023, MONDO:0008090, OMIM 162800, HP:0040289. Disease mechanism: loss of function.

Submission:

Labcorp Genetics (formerly Invitae), Labcorp
Classification: Pathogenic for Neutropenia, severe congenital, 1, autosomal dominant; Cyclical neutropenia. Last evaluated: 2025-09-30. Review status: criteria provided, single submitter. Criteria: Invitae Variant Classification Sherloc (09022015). Collection method: clinical testing. Allele origin: germline.
Comment: This sequence change replaces methionine, which is neutral and non-polar, with arginine, which is basic and polar, at codon 66 of the ELANE protein (p.Met66Arg). This variant is not present in population databases (gnomAD no frequency). This missense change has been observed in individuals with neutropenia (PMID: 19775295, 29517659, 34340247; internal data). This variant is also known as M37R. ClinVar contains an entry for this variant (Variation ID: 2138169). Invitae Evidence Modeling of protein sequence and biophysical properties (such as structural, functional, and spatial information, amino acid conservation, physicochemical variation, residue mobility, and thermodynamic stability) indicates that this missense variant is expected to disrupt ELANE protein function with a positive predictive value of 95%. For these reasons, this variant has been classified as Pathogenic.

Literature cited by the submitters: PubMed 19775295; PubMed 29517659; PubMed 34340247.